The following is an entry in ClinVar:

ClinVar aggregate classification (germline): Uncertain significance. Review status: criteria provided, multiple submitters, no conflicts (2 of 4 stars). 2 submissions from 2 submitters: Uncertain significance (2). Last evaluated 2023-03-01.

Conditions:
Inborn genetic diseases. Identifiers: MedGen C0950123, MeSH D030342.

Allele frequency attached by ClinVar (database versions not stated): TOPMed below 0.00001; ExAC 0.00001; gnomAD exomes 0.00001.
gnomAD v4.1: 19 of 1,614,204 alleles (0.0012%); highest among the groups gnomAD compares: Non-Finnish European, 0.0014%; no homozygotes.

Submissions (2):

Ambry Genetics
Classification: Uncertain significance for Inborn genetic diseases. Last evaluated: 2023-03-01. Review status: criteria provided, single submitter. Criteria: Ambry Variant Classification Scheme 2023. Collection method: clinical testing. Allele origin: germline.

Labcorp Genetics (formerly Invitae), Labcorp
Classification: Uncertain significance. Last evaluated: 2022-06-26. Review status: criteria provided, single submitter. Criteria: Invitae Variant Classification Sherloc (09022015). Collection method: clinical testing. Allele origin: germline.
Comment: This sequence change replaces aspartic acid, which is acidic and polar, with glutamic acid, which is acidic and polar, at codon 331 of the FREM2 protein (p.Asp331Glu). This variant is present in population databases (rs767767229, gnomAD 0.002%). This variant has not been reported in the literature in individuals affected with FREM2-related conditions. Algorithms developed to predict the effect of missense changes on protein structure and function are either unavailable or do not agree on the potential impact of this missense change (SIFT: "Deleterious"; PolyPhen-2: "Benign"; Align-GVGD: "Class C0"). In summary, the available evidence is currently insufficient to determine the role of this variant in disease. Therefore, it has been classified as a Variant of Uncertain Significance.

NM_207361.6(FREM2):c.993C>G (p.Asp331Glu)

Gene: FREM2 (FRAS1 related extracellular matrix 2; plus strand). Cytogenetic location: 13q13.3.
Variant type: single nucleotide variant.
Coding change: c.993C>G on transcript NM_207361.6 (MANE Select); coding-DNA position 993, C replaced by G.
Protein change: p.Asp331Glu; replaces aspartic acid 331 with glutamic acid.
Molecular consequence: missense variant.
Genome position (GRCh38, 1-based): chr13:38,688,337, C>G. VCF-style: chr13-38688337-C-G. GRCh37 (hg19) VCF-style: chr13-39262474-C-G.
Other names: c.993C>G (NM_207361.4); short protein forms D331E.
Identifiers: ClinVar variation 1378103 (VCV001378103.6), dbSNP rs767767229, ClinGen allele CA6954317.